The following is an entry in ClinVar:

NM_020800.3(IFT80):c.1219C>T (p.Pro407Ser)

Genes: IFT80 (intraflagellar transport 80; minus strand), TRIM59-IFT80 (TRIM59-IFT80 readthrough (NMD candidate); minus strand). Cytogenetic location: 3q25.33.
Variant type: single nucleotide variant.
Coding change: c.1219C>T on transcript NM_020800.3 (MANE Select); coding-DNA position 1219, C replaced by T.
Protein change: p.Pro407Ser; replaces proline 407 with serine.
Molecular consequence: missense variant. On other transcripts: non-coding transcript variant (3).
Genome position (GRCh38, 1-based): chr3:160,300,979, G>A on the plus strand (C>T on the coding strand, the complement: IFT80 is on the minus strand). VCF-style: chr3-160300979-G-A. GRCh37 (hg19) VCF-style: chr3-160018767-G-A.
Other names: c.808C>T, p.Pro270Ser (NM_001190241.2, NM_001190242.2); c.1219C>T (NM_020800.2); short protein forms P270S, P407S.
Identifiers: ClinVar variation 1062392 (VCV001062392.11), dbSNP rs1345262813, ClinGen allele CA355193685.

ClinVar aggregate classification (germline): Uncertain significance. Review status: criteria provided, multiple submitters, no conflicts (2 of 4 stars). 3 submissions from 3 submitters: Uncertain significance (3). Last evaluated 2025-09-01.

Conditions:
Jeune thoracic dystrophy. Also called: Short-rib thoracic dysplasia; Jeune syndrome; Infantile thoracic dystrophy; Thoracic pelvic phalangeal dystrophy; Jeune's syndrome; Chondroectodermal dysplasia-like syndrome. Identifiers: Orphanet 474, MedGen C0265275, MONDO:0018770.
Inborn genetic diseases. Identifiers: MedGen C0950123, MeSH D030342.
Asphyxiating thoracic dystrophy 2 (SRTD2). Also called: SHORT-RIB THORACIC DYSPLASIA 2 WITH OR WITHOUT POLYDACTYLY; SHORT-RIB THORACIC DYSPLASIA 2 WITH POLYDACTYLY; SHORT-RIB THORACIC DYSPLASIA 2 WITHOUT POLYDACTYLY. Identifiers: Orphanet 474, MedGen C1970005, MONDO:0012644, OMIM 611263.

Allele frequency attached by ClinVar (database versions not stated): gnomAD exomes below 0.00001; gnomAD 0.00001.

Submissions (3):

Ambry Genetics
Classification: Uncertain significance for Inborn genetic diseases. Last evaluated: 2025-09-01. Review status: criteria provided, single submitter. Criteria: Ambry Variant Classification Scheme 2023. Collection method: clinical testing. Allele origin: germline.

Fulgent Genetics
Classification: Uncertain significance for Asphyxiating thoracic dystrophy 2. Last evaluated: 2024-05-14. Review status: criteria provided, single submitter. Criteria: ACMG Guidelines, 2015. Collection method: clinical testing. Allele origin: germline.

Labcorp Genetics (formerly Invitae), Labcorp
Classification: Uncertain significance for Jeune thoracic dystrophy. Last evaluated: 2023-07-21. Review status: criteria provided, single submitter. Criteria: Invitae Variant Classification Sherloc (09022015). Collection method: clinical testing. Allele origin: germline.
Comment: ClinVar contains an entry for this variant (Variation ID: 1062392). This variant has not been reported in the literature in individuals affected with IFT80-related conditions. This variant is not present in population databases (gnomAD no frequency). This sequence change replaces proline, which is neutral and non-polar, with serine, which is neutral and polar, at codon 407 of the IFT80 protein (p.Pro407Ser). Advanced modeling of protein sequence and biophysical properties (such as structural, functional, and spatial information, amino acid conservation, physicochemical variation, residue mobility, and thermodynamic stability) has been performed at Invitae for this missense variant, however the output from this modeling did not meet the statistical confidence thresholds required to predict the impact of this variant on IFT80 protein function. In summary, the available evidence is currently insufficient to determine the role of this variant in disease. Therefore, it has been classified as a Variant of Uncertain Significance.